The following is an entry in ClinVar:

NM_017780.4(CHD7):c.5723C>A (p.Thr1908Asn)

Gene: CHD7 (chromodomain helicase DNA binding protein 7; plus strand). Cytogenetic location: 8q12.2.
Variant type: single nucleotide variant.
Coding change: c.5723C>A on transcript NM_017780.4 (MANE Select); coding-DNA position 5723, C replaced by A.
Protein change: p.Thr1908Asn; replaces threonine 1908 with asparagine.
Molecular consequence: missense variant. On other transcripts: intron variant (1).
Genome position (GRCh38, 1-based): chr8:60,852,076, C>A. VCF-style: chr8-60852076-C-A. GRCh37 (hg19) VCF-style: chr8-61764635-C-A.
Other names: c.1717-10153C>A (NM_001316690.1); c.5723C>A (NM_017780.3); short protein forms T1908N.
Identifiers: ClinVar variation 2098409 (VCV002098409.27), dbSNP rs1313352713, ClinGen allele CA371322526.

ClinVar aggregate classification (germline): Uncertain significance. Review status: criteria provided, multiple submitters, no conflicts (2 of 4 stars). 3 submissions from 3 submitters: Uncertain significance (3). Last evaluated 2025-10-09.

Conditions:
CHARGE syndrome (CHARGE). Also called: Hittner Hirsch Kreh syndrome; CHARGE ASSOCIATION--COLOBOMA, HEART ANOMALY, CHOANAL ATRESIA, RETARDATION, GENITAL AND EAR ANOMALIES; Coloboma, heart anomaly, choanal atresia, retardation, genital and ear anomalies; CHARGE association; Hall-Hittner syndrome. Identifiers: Orphanet 138, MedGen C0265354, MONDO:0008965.
Inborn genetic diseases. Identifiers: MedGen C0950123, MeSH D030342.

Allele frequency attached by ClinVar (database versions not stated): gnomAD 0.00001; gnomAD exomes 0.00001; TOPMed 0.00001.
gnomAD v4.1: 8 of 1,613,834 alleles (0.0005%); highest among the groups gnomAD compares: Non-Finnish European, 0.00068%; no homozygotes.

Submissions (3):

Labcorp Genetics (formerly Invitae), Labcorp
Classification: Uncertain significance for CHARGE syndrome. Last evaluated: 2025-10-09. Review status: criteria provided, single submitter. Criteria: Invitae Variant Classification Sherloc (09022015). Collection method: clinical testing. Allele origin: germline.
Comment: This sequence change replaces threonine, which is neutral and polar, with asparagine, which is neutral and polar, at codon 1908 of the CHD7 protein (p.Thr1908Asn). This variant is not present in population databases (gnomAD no frequency). This variant has not been reported in the literature in individuals affected with CHD7-related conditions. ClinVar contains an entry for this variant (Variation ID: 2098409). Invitae Evidence Modeling of protein sequence and biophysical properties (such as structural, functional, and spatial information, amino acid conservation, physicochemical variation, residue mobility, and thermodynamic stability) indicates that this missense variant is not expected to disrupt CHD7 protein function with a negative predictive value of 95%. In summary, the available evidence is currently insufficient to determine the role of this variant in disease. Therefore, it has been classified as a Variant of Uncertain Significance.

Ambry Genetics
Classification: Uncertain significance for Inborn genetic diseases. Last evaluated: 2025-08-30. Review status: criteria provided, single submitter. Criteria: Ambry Variant Classification Scheme 2023. Collection method: clinical testing. Allele origin: germline.

CeGaT Center for Human Genetics Tuebingen
Classification: Uncertain significance. Last evaluated: 2024-01-01. Review status: criteria provided, single submitter. Criteria: CeGaT Center For Human Genetics Tuebingen Variant Classification Criteria Version 2. Collection method: clinical testing. Allele origin: germline. Affected: yes. Observed: 1 variant allele.